The following is an entry in ClinVar:

ClinVar aggregate classification (germline): Uncertain significance. Review status: criteria provided, multiple submitters, no conflicts (2 of 4 stars). 3 submissions from 3 submitters: Uncertain significance (2). 1 of the submissions does not count toward it. Last evaluated 2025-01-06.

Conditions:
Bloom syndrome (BLM). Also called: Bloom-Torre-Machacek syndrome. Identifiers: Orphanet 125, MedGen C0005859, MONDO:0008876, OMIM 210900.
Hereditary cancer-predisposing syndrome. Also called: Tumor predisposition; Hereditary Cancer Syndrome; Neoplastic Syndromes, Hereditary; Hereditary neoplastic syndrome. Identifiers: Orphanet 140162, MedGen C0027672, MeSH D009386, MONDO:0015356.

Allele frequency attached by ClinVar (database versions not stated): gnomAD 0.00001.

Submissions (3):

Ambry Genetics
Classification: Uncertain significance for Hereditary cancer-predisposing syndrome. Last evaluated: 2025-01-06. Review status: criteria provided, single submitter. Criteria: Ambry Variant Classification Scheme 2023. Collection method: clinical testing. Allele origin: germline.
Comment: The p.D911G variant (also known as c.2732A>G), located in coding exon 13 of the BLM gene, results from an A to G substitution at nucleotide position 2732. The aspartic acid at codon 911 is replaced by glycine, an amino acid with similar properties. This amino acid position is not well conserved in available vertebrate species. In addition, this alteration is predicted to be tolerated by in silico analysis. Since supporting evidence is limited at this time, the clinical significance of this alteration remains unclear.

Labcorp Genetics (formerly Invitae), Labcorp
Classification: Uncertain significance for Bloom syndrome. Last evaluated: 2024-11-03. Review status: criteria provided, single submitter. Criteria: Invitae Variant Classification Sherloc (09022015). Collection method: clinical testing. Allele origin: germline.
Comment: This sequence change replaces aspartic acid, which is acidic and polar, with glycine, which is neutral and non-polar, at codon 911 of the BLM protein (p.Asp911Gly). This variant is not present in population databases (gnomAD no frequency). This variant has not been reported in the literature in individuals affected with BLM-related conditions. ClinVar contains an entry for this variant (Variation ID: 821730). Invitae Evidence Modeling of protein sequence and biophysical properties (such as structural, functional, and spatial information, amino acid conservation, physicochemical variation, residue mobility, and thermodynamic stability) indicates that this missense variant is not expected to disrupt BLM protein function with a negative predictive value of 80%. In summary, the available evidence is currently insufficient to determine the role of this variant in disease. Therefore, it has been classified as a Variant of Uncertain Significance.

Natera, Inc.
Classification: Uncertain significance for Bloom syndrome. Last evaluated: 2020-08-06. Review status: no assertion criteria provided. Collection method: clinical testing. Allele origin: germline. Not counted in ClinVar's aggregate classification.

NM_000057.4(BLM):c.2732A>G (p.Asp911Gly)

Gene: BLM (BLM RecQ like helicase; plus strand). Cytogenetic location: 15q26.1.
Variant type: single nucleotide variant.
Coding change: c.2732A>G on transcript NM_000057.4 (MANE Select); coding-DNA position 2732, A replaced by G.
Protein change: p.Asp911Gly; replaces aspartic acid 911 with glycine.
Molecular consequence: missense variant.
Genome position (GRCh38, 1-based): chr15:90,784,990, A>G. VCF-style: chr15-90784990-A-G. GRCh37 (hg19) VCF-style: chr15-91328220-A-G.
Other names: c.2732A>G, p.Asp911Gly (NM_001287246.2, NM_001287247.2); c.1607A>G, p.Asp536Gly (NM_001287248.2); short protein forms D536G, D911G.
Identifiers: ClinVar variation 821730 (VCV000821730.18), dbSNP rs1596252149, ClinGen allele CA393845992.